The following is an entry in ClinVar:

NM_001291303.3(FAT4):c.9712T>A (p.Ser3238Thr)

Gene: FAT4 (FAT atypical cadherin 4; plus strand). Cytogenetic location: 4q28.1.
Variant type: single nucleotide variant.
Coding change: c.9712T>A on transcript NM_001291303.3 (MANE Select); coding-DNA position 9712, T replaced by A.
Protein change: p.Ser3238Thr; replaces serine 3238 with threonine.
Molecular consequence: missense variant.
Genome position (GRCh38, 1-based): chr4:125,450,722, T>A. VCF-style: chr4-125450722-T-A. GRCh37 (hg19) VCF-style: chr4-126371877-T-A.
Other names: c.9712T>A, p.Ser3238Thr (NM_001291285.3); c.9706T>A, p.Ser3236Thr (NM_024582.6); short protein forms S3238T, S3236T.
Identifiers: ClinVar variation 3513361 (VCV003513361.3).

ClinVar aggregate classification (germline): Uncertain significance. Review status: criteria provided, multiple submitters, no conflicts (2 of 4 stars). 2 submissions from 2 submitters: Uncertain significance (2). Last evaluated 2024-12-18.

Conditions:
Inborn genetic diseases. Identifiers: MedGen C0950123, MeSH D030342.

gnomAD v4.1: 2 of 1,614,094 alleles (0.00012%); highest among the groups gnomAD compares: Admixed American, 0.0033%; no homozygotes.

Submissions (2):

Labcorp Genetics (formerly Invitae), Labcorp
Classification: Uncertain significance. Last evaluated: 2024-12-18. Review status: criteria provided, single submitter. Criteria: Invitae Variant Classification Sherloc (09022015). Collection method: clinical testing. Allele origin: germline.
Comment: This sequence change replaces serine, which is neutral and polar, with threonine, which is neutral and polar, at codon 3236 of the FAT4 protein (p.Ser3236Thr). This variant is present in population databases (rs767708576, gnomAD 0.009%). This variant has not been reported in the literature in individuals affected with FAT4-related conditions. Invitae Evidence Modeling of protein sequence and biophysical properties (such as structural, functional, and spatial information, amino acid conservation, physicochemical variation, residue mobility, and thermodynamic stability) indicates that this missense variant is not expected to disrupt FAT4 protein function with a negative predictive value of 80%. In summary, the available evidence is currently insufficient to determine the role of this variant in disease. Therefore, it has been classified as a Variant of Uncertain Significance.

Ambry Genetics
Classification: Uncertain significance for Inborn genetic diseases. Last evaluated: 2024-08-19. Review status: criteria provided, single submitter. Criteria: Ambry Variant Classification Scheme 2023. Collection method: clinical testing. Allele origin: germline.